The following is an entry in ClinVar:

NM_001367624.2(ZNF469):c.10843A>G (p.Arg3615Gly)

Gene: ZNF469 (zinc finger protein 469; plus strand). Cytogenetic location: 16q24.2.
Variant type: single nucleotide variant.
Coding change: c.10843A>G on transcript NM_001367624.2 (MANE Select); coding-DNA position 10843, A replaced by G.
Protein change: p.Arg3615Gly; replaces arginine 3615 with glycine.
Molecular consequence: missense variant.
Genome position (GRCh38, 1-based): chr16:88,438,313, A>G. VCF-style: chr16-88438313-A-G. GRCh37 (hg19) VCF-style: chr16-88504721-A-G.
Other names: NM_001127464.1:c.10759A>G; short protein forms R3615G.
Identifiers: ClinVar variation 1784578 (VCV001784578.2), dbSNP rs2507607649, ClinGen allele CA397128198.
Genomic context (GRCh38, chr16:88,438,313, plus strand): 5'-CTCCCTCTGGGGGCATCTCTGCCGCGGCCGGGAGCCAGAGGCCAAGATGCGGAGGGAAAG[A>G]GGGCTCCTCTCGTGTTCTCAGGGAAACGCAGGGCCCCGGGTGCCCGTGGCAGGTGTGCCC-3'
Protein context (NP_001354553.1, residues 3605-3625): GARGQDAEGK[Arg3615Gly]APLVFSGKRR

ClinVar aggregate classification (germline): Uncertain significance (1 of 4 stars; one submission).

Conditions:
Cardiovascular phenotype. Identifiers: MedGen CN230736.

Submission:

Ambry Genetics
Classification: Uncertain significance for Cardiovascular phenotype. Last evaluated: 2019-04-04. Review status: criteria provided, single submitter. Criteria: Ambry Variant Classification Scheme 2023. Collection method: clinical testing. Allele origin: germline.
Comment: The p.R3587G variant (also known as c.10759A>G), located in coding exon 2 of the ZNF469 gene, results from an A to G substitution at nucleotide position 10759. The arginine at codon 3587 is replaced by glycine, an amino acid with dissimilar properties. This amino acid position is not well conserved in available vertebrate species, and glycine is the reference amino acid in other vertebrate species. In addition, this alteration is predicted to be tolerated by in silico analysis. Since supporting evidence is limited at this time, the clinical significance of this alteration remains unclear.